The following is an entry in ClinVar:

ClinVar aggregate classification (germline): Uncertain significance. Review status: criteria provided, multiple submitters, no conflicts (2 of 4 stars). 3 submissions from 3 submitters: Uncertain significance (3). Last evaluated 2025-11-26.

Conditions:
Pityriasis rubra pilaris (PRP). Also called: Pityriasis rubra pilaris--familial type. Identifiers: Orphanet 2897, MedGen C0032027, MONDO:0100017, OMIM 173200, MONDO:0008251.
Psoriasis 2. Identifiers: MedGen C1864497, MONDO:0011269, OMIM 602723.
Inborn genetic diseases. Identifiers: MedGen C0950123, MeSH D030342.

Allele frequency attached by ClinVar (database versions not stated): ExAC 0.00002; gnomAD 0.00002; TOPMed 0.00002; gnomAD exomes 0.00003; ESP Exome Variant Server 0.00015.
gnomAD v4.1: 51 of 1,613,866 alleles (0.0032%); highest among the groups gnomAD compares: Non-Finnish European, 0.0039%; no homozygotes.

Submissions (3):

Ambry Genetics
Classification: Uncertain significance for Inborn genetic diseases. Last evaluated: 2025-11-26. Review status: criteria provided, single submitter. Criteria: Ambry Variant Classification Scheme 2023. Collection method: clinical testing. Allele origin: germline.

Labcorp Genetics (formerly Invitae), Labcorp
Classification: Uncertain significance for Pityriasis rubra pilaris; Psoriasis 2. Last evaluated: 2025-07-27. Review status: criteria provided, single submitter. Criteria: Invitae Variant Classification Sherloc (09022015). Collection method: clinical testing. Allele origin: germline.
Comment: This sequence change replaces glutamic acid, which is acidic and polar, with lysine, which is basic and polar, at codon 356 of the CARD14 protein (p.Glu356Lys). This variant is present in population databases (rs145206790, gnomAD 0.005%). This variant has not been reported in the literature in individuals affected with CARD14-related conditions. ClinVar contains an entry for this variant (Variation ID: 2460509). Invitae Evidence Modeling of protein sequence and biophysical properties (such as structural, functional, and spatial information, amino acid conservation, physicochemical variation, residue mobility, and thermodynamic stability) has been performed for this missense variant. However, the output from this modeling did not meet the statistical confidence thresholds required to predict the impact of this variant on CARD14 protein function. In summary, the available evidence is currently insufficient to determine the role of this variant in disease. Therefore, it has been classified as a Variant of Uncertain Significance.

Blueprint Genetics
Classification: Uncertain significance. Last evaluated: 2021-06-04. Review status: criteria provided, single submitter. Criteria: ACMG Guidelines, 2015. Collection method: clinical testing. Allele origin: germline.

NM_001366385.1(CARD14):c.1066G>A (p.Glu356Lys)

Gene: CARD14 (caspase recruitment domain family member 14; plus strand). Cytogenetic location: 17q25.3.
Variant type: single nucleotide variant.
Coding change: c.1066G>A on transcript NM_001366385.1 (MANE Select); coding-DNA position 1066, G replaced by A.
Protein change: p.Glu356Lys; replaces glutamic acid 356 with lysine.
Molecular consequence: missense variant. On other transcripts: non-coding transcript variant (1).
Genome position (GRCh38, 1-based): chr17:80,190,876, G>A. VCF-style: chr17-80190876-G-A. GRCh37 (hg19) VCF-style: chr17-78164675-G-A.
Other names: c.1066G>A, p.Glu356Lys (NM_001257970.1, NM_024110.4); c.355G>A, p.Glu119Lys (NM_052819.3); short protein forms E119K, E356K.
Identifiers: ClinVar variation 2460509 (VCV002460509.7), dbSNP rs145206790, ClinGen allele CA8816631.